The following is an entry in ClinVar:

ClinVar aggregate classification (germline): Pathogenic (1 of 4 stars; one submission).

Submission:

Labcorp Genetics (formerly Invitae), Labcorp
Classification: Pathogenic. Last evaluated: 2020-02-20. Review status: criteria provided, single submitter. Criteria: Invitae Variant Classification Sherloc (09022015). Collection method: clinical testing. Allele origin: germline.
Comment: For these reasons, this variant has been classified as Pathogenic. Loss-of-function variants in CERKL are known to be pathogenic (PMID: 14681825, 24043777). This variant has not been reported in the literature in individuals with CERKL-related conditions. This variant is not present in population databases (ExAC no frequency). This sequence change creates a premature translational stop signal (p.Leu169*) in the CERKL gene. It is expected to result in an absent or disrupted protein product.

Literature cited by the submitters: PubMed 14681825; PubMed 24043777.

NM_201548.5(CERKL):c.506del (p.Ser168_Leu169insTer)

Gene: CERKL (CERK like autophagy regulator; minus strand). Cytogenetic location: 2q31.3.
Variant type: Deletion.
Coding change: c.506del on transcript NM_201548.5 (MANE Select); coding-DNA position 506, one base deleted (T; older notation c.506delT).
Protein change: p.Ser168_Leu169insTer.
Molecular consequence: nonsense. On other transcripts: non-coding transcript variant (1), intron variant (2).
Genome position (GRCh38, 1-based): chr2:181,573,860, A deleted on the plus strand (T on the coding strand, the reverse complement: CERKL is on the minus strand); the first of 2 consecutive A bases (chr2:181,573,860-181,573,861); deleting either gives the same sequence. VCF-style (leftmost placement, unchanged base first): chr2-181573859-TA-T. GRCh37 (hg19) VCF-style: chr2-182438586-TA-T.
Other names: c.506del, p.Ser168_Leu169insTer (NM_001030311.3, NM_001030313.3); c.482-24152del (NM_001030312.3); c.482-7739del (NM_001160277.2).
Identifiers: ClinVar variation 1073677 (VCV001073677.7), dbSNP rs2105846718, ClinGen allele CA2499215516.
Genomic context (GRCh38, chr2:181,573,859, plus strand): 5'-CTTCTCATAATAAACCTGGGTAGCTTCTTTTTTGTGACTTTGGGGGTTAAGGAGTATTTT[TA>T]ATGACTTCGGTCTGTTTGGAAAGCCTAAGAAGAAATTTTAAAGACAAAGTTGTAAAGTCC-3'